The following is an entry in ClinVar:

ClinVar aggregate classification (germline): Pathogenic (1 of 4 stars; one submission).

Conditions:
Neurofibromatosis, type 1 (NF1). Also called: VON RECKLINGHAUSEN DISEASE; NEUROFIBROMATOSIS, TYPE I, SOMATIC; Peripheral type neurofibromatosis; Neurofibromatosis, type I. Identifiers: Orphanet 636, MedGen C0027831, MONDO:0018975, OMIM 162200. Disease mechanism: loss of function.

Submission:

Labcorp Genetics (formerly Invitae), Labcorp
Classification: Pathogenic for Neurofibromatosis, type 1. Last evaluated: 2025-08-24. Review status: criteria provided, single submitter. Criteria: Invitae Variant Classification Sherloc (09022015). Collection method: clinical testing. Allele origin: germline.
Comment: This sequence change creates a premature translational stop signal (p.Phe2215Leufs*29) in the NF1 gene. It is expected to result in an absent or disrupted protein product. Loss-of-function variants in NF1 are known to be pathogenic (PMID: 10712197, 23913538). This variant is not present in population databases (gnomAD no frequency). This variant has not been reported in the literature in individuals affected with NF1-related conditions. ClinVar contains an entry for this variant (Variation ID: 916019). For these reasons, this variant has been classified as Pathogenic.

Literature cited by the submitters: PubMed 10712197; PubMed 23913538.

NM_001042492.3(NF1):c.6708del (p.Phe2236fs)

Gene: NF1 (neurofibromin 1; plus strand). Cytogenetic location: 17q11.2.
Variant type: Deletion.
Coding change: c.6708del on transcript NM_001042492.3 (MANE Select); coding-DNA position 6708, one base deleted (T; older notation c.6708delT).
Protein change: p.Phe2236fs; shifts the reading frame from phenylalanine 2236.
Molecular consequence: frameshift variant.
Genome position (GRCh38, 1-based): chr17:31,338,028, T deleted; the last of 3 consecutive T bases (chr17:31,338,026-31,338,028); deleting any one gives the same sequence. VCF-style (leftmost placement, unchanged base first): chr17-31338025-AT-A. GRCh37 (hg19) VCF-style: chr17-29665043-AT-A.
Other names: c.6645delT, p.Phe2215Leufs (NM_000267.4); short protein forms F2215fs, F2236fs.
Identifiers: ClinVar variation 916019 (VCV000916019.2), dbSNP rs2069724582.
Genomic context (GRCh38, chr17:31,338,025, plus strand): 5'-ATTATTTAGTATATATAAACACAAAGGTTTTTATAAGTTCTGTGGATCTTTTAATTGCAG[AT>A]TTGCATTCCAATATAATCCATCCCTGCAACCAAGAGCTCTTGTTGTCTTTGGGTGTATTA-3'